The following is an entry in ClinVar:

NM_023110.3(FGFR1):c.2292+36G>A

Gene: FGFR1 (fibroblast growth factor receptor 1; minus strand). Cytogenetic location: 8p11.23.
Variant type: single nucleotide variant.
Coding change: c.2292+36G>A on transcript NM_023110.3 (MANE Select); 36 bases into the intron after coding-DNA position 2292, G replaced by A.
Molecular consequence: intron variant.
Genome position (GRCh38, 1-based): chr8:38,413,882, C>T on the plus strand (G>A on the coding strand, the complement: FGFR1 is on the minus strand). VCF-style: chr8-38413882-C-T. GRCh37 (hg19) VCF-style: chr8-38271400-C-T.
Other names: c.2013+36G>A (NM_001354368.2); c.2019+36G>A (NM_001354370.2, NM_023106.3); c.2025+36G>A (NM_023105.3, NM_001174066.2); c.2286+36G>A (NM_001354367.2, NM_015850.4, NM_001174063.2 and 1 more transcripts); c.2262+36G>A (NM_001174064.2); c.2280+36G>A (NM_001354369.2); c.2385+36G>A (NM_001174067.2).
Identifiers: ClinVar variation 1676100 (VCV001676100.33), dbSNP rs17176067, ClinGen allele CA4718118.
Genomic context (GRCh38, chr8:38,413,882, plus strand): 5'-AAGCAGCGATGGGCCGGGCCCCTCCTCCCTGCTCAGGGAGGTGCGTGCACGCAGTGGGGA[C>T]GGCCTGAGCTCTGGCTCTGGCACGGGCAGCCTTACCTGGTTGGAGGTCAAGGCCACGATG-3'

ClinVar aggregate classification (germline): Benign (1 of 4 stars; one submission).

Allele frequency attached by ClinVar (database versions not stated): gnomAD exomes 0.00053; ExAC 0.00059; ESP Exome Variant Server 0.00131; gnomAD 0.00180 and 0.00192; TOPMed 0.00185; 1000 Genomes Project 30x 0.00297; 1000 Genomes Project 0.00300.
gnomAD v4.1: 884 of 1,612,800 alleles (0.055%); highest among the groups gnomAD compares: African/African-American, 0.54%; 2 homozygotes.

Submission:

CeGaT Center for Human Genetics Tuebingen
Classification: Benign. Last evaluated: 2022-03-01. Review status: criteria provided, single submitter. Criteria: CeGaT Center For Human Genetics Tuebingen Variant Classification Criteria Version 2. Collection method: clinical testing. Allele origin: germline. Affected: yes. Observed: 1 variant allele.
Comment: FGFR1: BS1, BS2